The following is an entry in ClinVar:

NM_000275.3(OCA2):c.300G>C (p.Leu100Phe)

Gene: OCA2 (OCA2 melanosomal transmembrane protein; minus strand). Cytogenetic location: 15q13.1.
Variant type: single nucleotide variant.
Coding change: c.300G>C on transcript NM_000275.3 (MANE Select); coding-DNA position 300, G replaced by C.
Protein change: p.Leu100Phe; replaces leucine 100 with phenylalanine.
Molecular consequence: missense variant.
Genome position (GRCh38, 1-based): chr15:28,032,091, C>G on the plus strand (G>C on the coding strand, the complement: OCA2 is on the minus strand). VCF-style: chr15-28032091-C-G. GRCh37 (hg19) VCF-style: chr15-28277237-C-G.
Other names: c.300G>C, p.Leu100Phe (NM_001300984.2); short protein forms L100F.
Identifiers: ClinVar variation 2771953 (VCV002771953.3), dbSNP rs2548508257, ClinGen allele CA391362969.

ClinVar aggregate classification (germline): Uncertain significance (1 of 4 stars; one submission).

Submission:

Labcorp Genetics (formerly Invitae), Labcorp
Classification: Uncertain significance. Last evaluated: 2023-10-26. Review status: criteria provided, single submitter. Criteria: Invitae Variant Classification Sherloc (09022015). Collection method: clinical testing. Allele origin: germline.
Comment: This sequence change replaces leucine, which is neutral and non-polar, with phenylalanine, which is neutral and non-polar, at codon 100 of the OCA2 protein (p.Leu100Phe). This variant is not present in population databases (gnomAD no frequency). This variant has not been reported in the literature in individuals affected with OCA2-related conditions. Advanced modeling of protein sequence and biophysical properties (such as structural, functional, and spatial information, amino acid conservation, physicochemical variation, residue mobility, and thermodynamic stability) has been performed at Invitae for this missense variant, however the output from this modeling did not meet the statistical confidence thresholds required to predict the impact of this variant on OCA2 protein function. In summary, the available evidence is currently insufficient to determine the role of this variant in disease. Therefore, it has been classified as a Variant of Uncertain Significance.